The following is an entry in ClinVar:

ClinVar aggregate classification (germline): Pathogenic. Review status: criteria provided, multiple submitters, no conflicts (2 of 4 stars). 2 submissions from 2 submitters: Pathogenic (2). Last evaluated 2022-02-02.

Conditions:
Coffin-Siris syndrome 1 (CSS1). Also called: Mental retardation, autosomal dominant 12; ARID1B-Related Coffin-Siris Syndrome. Identifiers: Orphanet 1465, MedGen C3281201, MONDO:0007617, OMIM 135900. Disease mechanism: gain of function.

Submissions (2):

Victorian Clinical Genetics Services, Murdoch Childrens Research Institute
Classification: Pathogenic for Coffin-Siris syndrome 1. Last evaluated: 2022-02-02. Review status: criteria provided, single submitter. Criteria: ACMG Guidelines, 2015. Collection method: clinical testing. Allele origin: germline. Inheritance: Autosomal dominant inheritance. Affected: yes.
Comment: Based on the classification scheme VCGS_Germline_v1.3.4, this variant is classified as Pathogenic. Following criteria are met: 0102 - Loss of function is a known mechanism of disease in this gene and is associated with Coffin-Siris syndrome 1 (MIM#135900). (I) 0107 - This gene is associated with autosomal dominant disease. (I) 0115 - Variants in this gene are known to have variable expressivity (PMID: 26506440). (I) 0201 - Variant is predicted to cause nonsense-mediated decay (NMD) and loss of protein (premature termination codon is located at least 54 nucleotides upstream of the final exon-exon junction). (SP) 0251 - This variant is heterozygous. (I) 0301 - Variant is absent from gnomAD (both v2 and v3). (SP) 0701 - Other NMD-predicted variants comparable to the one identified in this case have very strong previous evidence for pathogenicity. These variant have been reported many times as pathogenic (Decipher). (SP) 0803 - This variant has limited previous evidence of pathogenicity in an individual. This variant has been reported once as pathogenic (ClinVar). (SP) 0905 - No published segregation evidence has been identified for this variant. (I) 1007 - No published functional evidence has been identified for this variant. (I) 1208 - Inheritance information for this variant is not currently available in this individual. (I) Legend: (SP) - Supporting pathogenic, (I) - Information, (SB) - Supporting benign

Labcorp Genetics (formerly Invitae), Labcorp
Classification: Pathogenic. Last evaluated: 2019-12-18. Review status: criteria provided, single submitter. Criteria: Invitae Variant Classification Sherloc (09022015). Collection method: clinical testing. Allele origin: germline.
Comment: Loss-of-function variants in ARID1B are known to be pathogenic (PMID: 24674232, 25674384). This variant has not been reported in the literature in individuals with ARID1B-related conditions. This variant is not present in population databases (ExAC no frequency). This sequence change creates a premature translational stop signal (p.Gln1193*) in the ARID1B gene. It is expected to result in an absent or disrupted protein product. For these reasons, this variant has been classified as Pathogenic.

Literature cited by the submitters: PubMed 26506440 (cited by Victorian Clinical Genetics Services, Murdoch Childrens Research Institute); PubMed 24674232 (cited by Labcorp Genetics (formerly Invitae), Labcorp); PubMed 25674384 (cited by Labcorp Genetics (formerly Invitae), Labcorp).

NM_001374828.1(ARID1B):c.3946C>T (p.Gln1316Ter)

Gene: ARID1B (AT-rich interaction domain 1B; plus strand). Cytogenetic location: 6q25.3.
Variant type: single nucleotide variant.
Coding change: c.3946C>T on transcript NM_001374828.1 (MANE Select); coding-DNA position 3946, C replaced by T.
Protein change: p.Gln1316Ter; replaces glutamine 1316 with a stop codon.
Molecular consequence: nonsense.
Genome position (GRCh38, 1-based): chr6:157,189,668, C>T. VCF-style: chr6-157189668-C-T. GRCh37 (hg19) VCF-style: chr6-157510802-C-T.
Other names: c.3577C>T (NM_020732.3); c.1447C>T, p.Gln483Ter (NM_001363725.2); c.3826C>T, p.Gln1276Ter (NM_001371656.1, NM_001374820.1); c.3787C>T, p.Gln1263Ter (NM_017519.3); short protein forms Q1276*, Q1263*, Q1316*, Q483*.
Identifiers: ClinVar variation 845891 (VCV000845891.11), dbSNP rs1554232925, ClinGen allele CA366234048.